The following is an entry in ClinVar:

ClinVar aggregate classification (germline): Conflicting classifications of pathogenicity. Review status: criteria provided, conflicting classifications (1 of 4 stars). 7 submissions from 7 submitters: Pathogenic (1); Uncertain significance (6). Last evaluated 2026-02-05.

Conditions:
COQ2-related disorder. Also called: COQ2-related condition.
Coenzyme Q10 deficiency, primary, 1. Also called: UBIQUINONE DEFICIENCY 1; COENZYME Q DEFICIENCY 1; CoQ DEFICIENCY 1. Identifiers: Orphanet 255249, MedGen C3551954, MONDO:0011829, OMIM 607426.
Multiple system atrophy 1, susceptibility to. Also called: MSA1, SUSCEPTIBILITY TO. Identifiers: MedGen C3714927, MONDO:0020715, OMIM 146500.

Allele frequency attached by ClinVar (database versions not stated): ExAC below 0.00001; TOPMed below 0.00001; gnomAD 0.00001; gnomAD exomes 0.00001 and 0.00003.

Submissions (7):

PreventionGenetics, part of Exact Sciences
Classification: Uncertain significance for COQ2-related condition. Last evaluated: 2026-02-05. Review status: criteria provided, single submitter. Criteria: ACMG Guidelines, 2015. Collection method: clinical testing. Allele origin: germline.
Comment: The COQ2 c.950C>T variant is predicted to result in the amino acid substitution p.Thr317Met. To our knowledge, this variant has not been reported in the literature in individuals with COQ2-related diseases. This is reported in 0.0080% of alleles in individuals of East Asian descent in gnomAD. At this time, the clinical significance of this variant is uncertain due to the absence of conclusive functional and genetic evidence.

Women's Health and Genetics/Laboratory Corporation of America, LabCorp
Classification: Uncertain significance. Last evaluated: 2025-07-07. Review status: criteria provided, single submitter. Criteria: LabCorp Variant Classification Summary - May 2015. Collection method: clinical testing. Allele origin: germline.
Comment: Variant summary: COQ2 c.950C>T (p.Thr317Met) results in a non-conservative amino acid change in the encoded protein sequence. Algorithms developed to predict the effect of missense changes on protein structure and function all suggest that this variant is likely to be disruptive. The variant allele was found at a frequency of 2.5e-05 in 158512 control chromosomes. The available data on variant occurrences in the general population are insufficient to allow any conclusion about variant significance. To our knowledge, no occurrence of c.950C>T in individuals affected with Coenzyme Q10 Deficiency, Primary, 1 and no experimental evidence demonstrating its impact on protein function have been reported. ClinVar contains an entry for this variant (Variation ID: 214224). Based on the evidence outlined above, the variant was classified as uncertain significance.

Mayo Clinic Laboratories, Mayo Clinic
Classification: Uncertain significance. Last evaluated: 2024-08-09. Review status: criteria provided, single submitter. Criteria: ACMG Guidelines, 2015. Collection method: clinical testing. Allele origin: germline. Observed: 1 variant allele.
Comment: PP3, PM2

Fulgent Genetics
Classification: Uncertain significance for Multiple system atrophy 1, susceptibility to; Coenzyme Q10 deficiency, primary, 1. Last evaluated: 2024-05-15. Review status: criteria provided, single submitter. Criteria: ACMG Guidelines, 2015. Collection method: clinical testing. Allele origin: germline.

Blueprint Genetics
Classification: Uncertain significance. Last evaluated: 2024-02-09. Review status: criteria provided, single submitter. Criteria: ACMG Guidelines, 2015. Collection method: clinical testing. Allele origin: germline.

Labcorp Genetics (formerly Invitae), Labcorp
Classification: Uncertain significance. Last evaluated: 2023-08-10. Review status: criteria provided, single submitter. Criteria: Invitae Variant Classification Sherloc (09022015). Collection method: clinical testing. Allele origin: germline.
Comment: In summary, the available evidence is currently insufficient to determine the role of this variant in disease. Therefore, it has been classified as a Variant of Uncertain Significance. Advanced modeling of protein sequence and biophysical properties (such as structural, functional, and spatial information, amino acid conservation, physicochemical variation, residue mobility, and thermodynamic stability) performed at Invitae indicates that this missense variant is not expected to disrupt COQ2 protein function. ClinVar contains an entry for this variant (Variation ID: 214224). This variant has not been reported in the literature in individuals affected with COQ2-related conditions. This variant is present in population databases (rs761785906, gnomAD 0.008%). This sequence change replaces threonine, which is neutral and polar, with methionine, which is neutral and non-polar, at codon 317 of the COQ2 protein (p.Thr317Met).

GeneDx
Classification: Pathogenic. Last evaluated: 2014-03-31. Review status: criteria provided, single submitter. Criteria: GeneDx Variant Classification (06012015). Collection method: clinical testing. Allele origin: germline. Affected: yes.
Comment: p.Thr317Met (ACG>ATG): c.950 C>T in exon 6 of the COQ2 gene (NM_015697.7). The T317M missense change has been reported previously as a susceptibility allele in association with multiple-system atrophy using alternate nomenclature (Mitsui et al., 2013). It has not been reported as a disease-causing mutation or a benign polymorphism. The T317M variant was not observed in approximately 5900 individuals of European and African American ancestry in the NHLBI Exome Sequencing Project, indicating it is not a common benign variant in these populations. The T317M variant is a non-conservative amino acid substitution, which is likely to impact secondary protein structure as these residues differ in polarity, charge, size and/or other properties. This substitution occurs at a position that is highly conserved across species. In-silico analysis predicts this variant is probably damaging to the protein structure/function. Therefore, based on the currently available information, it is unclear whether this variant is a pathogenic mutation or a rare benign variant. The variant is found in MITONUC-MITOP panel(s).

Literature cited by the submitters: PubMed 31589614 (cited by Mayo Clinic Laboratories, Mayo Clinic).

NM_001358921.2(COQ2):c.800C>T (p.Thr267Met)

Gene: COQ2 (coenzyme Q2, polyprenyltransferase; minus strand). Cytogenetic location: 4q21.23.
Variant type: single nucleotide variant.
Coding change: c.800C>T on transcript NM_001358921.2 (MANE Select); coding-DNA position 800, C replaced by T.
Protein change: p.Thr267Met; replaces threonine 267 with methionine.
Molecular consequence: missense variant.
Genome position (GRCh38, 1-based): chr4:83,267,737, G>A on the plus strand (C>T on the coding strand, the complement: COQ2 is on the minus strand). VCF-style: chr4-83267737-G-A. GRCh37 (hg19) VCF-style: chr4-84188890-G-A.
Other names: p.T317M:ACG>ATG; p.Thr317Met; c.950C>T, p.Thr317Met (NM_015697.9); c.950C>T (NM_015697.8); short protein forms T317M, T267M.
Identifiers: ClinVar variation 214224 (VCV000214224.11), dbSNP rs761785906, ClinGen allele CA319950.